The following is an entry in ClinVar:

NM_144997.7(FLCN):c.918G>T (p.Glu306Asp)

Gene: FLCN (folliculin; minus strand). Cytogenetic location: 17p11.2.
Variant type: single nucleotide variant.
Coding change: c.918G>T on transcript NM_144997.7 (MANE Select); coding-DNA position 918, G replaced by T.
Protein change: p.Glu306Asp; replaces glutamic acid 306 with aspartic acid.
Molecular consequence: missense variant.
Genome position (GRCh38, 1-based): chr17:17,219,163, C>A on the plus strand (G>T on the coding strand, the complement: FLCN is on the minus strand). VCF-style: chr17-17219163-C-A. GRCh37 (hg19) VCF-style: chr17-17122477-C-A.
Other names: c.972G>T, p.Glu324Asp (NM_001353229.2); c.918G>T, p.Glu306Asp (NM_001353230.2, NM_001353231.2); short protein forms E306D, E324D.
Identifiers: ClinVar variation 1766116 (VCV001766116.10), dbSNP rs1225531030, ClinGen allele CA398533006.

ClinVar aggregate classification (germline): Uncertain significance. Review status: criteria provided, multiple submitters, no conflicts (2 of 4 stars). 3 submissions from 3 submitters: Uncertain significance (3). Last evaluated 2026-04-16.

Conditions:
Birt-Hogg-Dube syndrome. Also called: Birt Hogg Dubé syndrome. Identifiers: Orphanet 122, MedGen C0346010, MONDO:0800444.
FLCN-related disorder. Also called: FLCN-related condition.
Hereditary cancer-predisposing syndrome. Also called: Tumor predisposition; Hereditary neoplastic syndrome; Hereditary Cancer Syndrome; Neoplastic Syndromes, Hereditary. Identifiers: Orphanet 140162, MedGen C0027672, MeSH D009386, MONDO:0015356.

gnomAD v4.1: 1 of 1,614,228 alleles (0.000062%); no homozygotes.

Submissions (3):

Ambry Genetics
Classification: Uncertain significance for Hereditary cancer-predisposing syndrome. Last evaluated: 2026-04-16. Review status: criteria provided, single submitter. Criteria: Ambry Variant Classification Scheme 2023. Collection method: clinical testing. Allele origin: germline.
Comment: The p.E306D variant (also known as c.918G>T), located in coding exon 6 of the FLCN gene, results from a G to T substitution at nucleotide position 918. The glutamic acid at codon 306 is replaced by aspartic acid, an amino acid with highly similar properties. This amino acid position is highly conserved in available vertebrate species. In addition, the in silico prediction for this alteration is inconclusive. Based on the available evidence, the clinical significance of this variant remains unclear.

PreventionGenetics, part of Exact Sciences
Classification: Uncertain significance for FLCN-related condition. Last evaluated: 2026-02-16. Review status: criteria provided, single submitter. Criteria: ACMG Guidelines, 2015. Collection method: clinical testing. Allele origin: germline.
Comment: The FLCN c.918G>T variant is predicted to result in the amino acid substitution p.Glu306Asp. To our knowledge, this variant has not been reported in the literature. This variant is reported in 0.0054% of alleles in individuals of East Asian descent in gnomAD. In ClinVar, this variant is interpreted as uncertain significance (Variation ID: 1766116). At this time, the clinical significance of this variant is uncertain due to the absence of conclusive functional and genetic evidence.

Labcorp Genetics (formerly Invitae), Labcorp
Classification: Uncertain significance for Birt-Hogg-Dube syndrome. Last evaluated: 2025-08-20. Review status: criteria provided, single submitter. Criteria: Invitae Variant Classification Sherloc (09022015). Collection method: clinical testing. Allele origin: germline.
Comment: This sequence change replaces glutamic acid, which is acidic and polar, with aspartic acid, which is acidic and polar, at codon 306 of the FLCN protein (p.Glu306Asp). This variant is present in population databases (no rsID available, gnomAD 0.006%). This variant has not been reported in the literature in individuals affected with FLCN-related conditions. ClinVar contains an entry for this variant (Variation ID: 1766116). An algorithm developed to predict the effect of missense changes on protein structure and function (PolyPhen-2) suggests that this variant is likely to be tolerated. In summary, the available evidence is currently insufficient to determine the role of this variant in disease. Therefore, it has been classified as a Variant of Uncertain Significance.